The following is an entry in ClinVar:

NM_002087.4(GRN):c.8C>T (p.Thr3Ile)

Gene: GRN (granulin precursor; plus strand). Cytogenetic location: 17q21.31.
Variant type: single nucleotide variant.
Coding change: c.8C>T on transcript NM_002087.4 (MANE Select); coding-DNA position 8, C replaced by T.
Protein change: p.Thr3Ile; replaces threonine 3 with isoleucine.
Molecular consequence: missense variant.
Genome position (GRCh38, 1-based): chr17:44,349,172, C>T. VCF-style: chr17-44349172-C-T. GRCh37 (hg19) VCF-style: chr17-42426540-C-T.
Other names: short protein forms T3I.
Identifiers: ClinVar variation 2522313 (VCV002522313.5), dbSNP rs375939802, ClinGen allele CA8601728.

ClinVar aggregate classification (germline): Uncertain significance. Review status: criteria provided, multiple submitters, no conflicts (2 of 4 stars). 2 submissions from 2 submitters: Uncertain significance (2). Last evaluated 2023-03-27.

Conditions:
Inborn genetic diseases. Identifiers: MedGen C0950123, MeSH D030342.
Neuronal ceroid lipofuscinosis 11. Also called: GRN-Related Neuronal Ceroid-Lipofuscinosis. Identifiers: Orphanet 314629, Orphanet 79262, MedGen C3539123, MONDO:0013866, OMIM 614706.
GRN-related frontotemporal lobar degeneration with Tdp43 inclusions (FTD2). Also called: DEMENTIA, HEREDITARY DYSPHASIC DISINHIBITION; FRONTOTEMPORAL LOBAR DEGENERATION WITH UBIQUITIN-POSITIVE INCLUSIONS; FTLD-TDP, GRN-RELATED; GRN Frontotemporal Dementia; FRONTOTEMPORAL DEMENTIA WITH TDP43 INCLUSIONS, GRN-RELATED. Identifiers: Orphanet 100070, Orphanet 282, MedGen C1843792, MONDO:0011842, OMIM 607485. Disease mechanism: loss of function.

Allele frequency attached by ClinVar (database versions not stated): ExAC 0.00001; TOPMed 0.00002; gnomAD 0.00003; ESP Exome Variant Server 0.00008.

Submissions (2):

Ambry Genetics
Classification: Uncertain significance for Inborn genetic diseases. Last evaluated: 2023-03-27. Review status: criteria provided, single submitter. Criteria: Ambry Variant Classification Scheme 2023. Collection method: clinical testing. Allele origin: germline.

Labcorp Genetics (formerly Invitae), Labcorp
Classification: Uncertain significance for Neuronal ceroid lipofuscinosis 11; GRN-related frontotemporal lobar degeneration with Tdp43 inclusions. Last evaluated: 2023-01-01. Review status: criteria provided, single submitter. Criteria: Invitae Variant Classification Sherloc (09022015). Collection method: clinical testing. Allele origin: germline.
Comment: In summary, the available evidence is currently insufficient to determine the role of this variant in disease. Therefore, it has been classified as a Variant of Uncertain Significance. Algorithms developed to predict the effect of missense changes on protein structure and function output the following: SIFT: "Tolerated"; PolyPhen-2: "Benign"; Align-GVGD: "Class C0". The isoleucine amino acid residue is found in multiple mammalian species, which suggests that this missense change does not adversely affect protein function. This variant has not been reported in the literature in individuals affected with GRN-related conditions. This variant is present in population databases (rs375939802, gnomAD 0.007%). This sequence change replaces threonine, which is neutral and polar, with isoleucine, which is neutral and non-polar, at codon 3 of the GRN protein (p.Thr3Ile).